The following is an entry in ClinVar:

ClinVar aggregate classification (germline): Benign (0 of 4 stars; one submission).

Conditions:
ERC1-related disorder. Also called: ERC1-related condition.

Allele frequency attached by ClinVar (database versions not stated): TOPMed 0.00046; gnomAD 0.00053; gnomAD exomes 0.00059; ExAC 0.00083; 1000 Genomes Project 30x 0.00328; 1000 Genomes Project 0.00339.
gnomAD v4.1: 946 of 1,613,956 alleles (0.059%); highest among the groups gnomAD compares: East Asian, 1.9%; 14 homozygotes.

Submission:

PreventionGenetics, part of Exact Sciences
Classification: Benign for ERC1-related condition. Last evaluated: 2019-02-22. Review status: no assertion criteria provided. Collection method: clinical testing. Allele origin: germline.
Comment: This variant is classified as benign based on ACMG/AMP sequence variant interpretation guidelines (Richards et al. 2015 PMID: 25741868, with internal and published modifications).

NM_178040.4(ERC1):c.1527C>T (p.Ser509=)

Genes: ERC1 (ELKS/RAB6-interacting/CAST family member 1; plus strand), LOC126861413 (CDK7 strongly-dependent group 2 enhancer GRCh37_chr12:1224566-1225765; plus strand). Cytogenetic location: 12p13.33.
Variant type: single nucleotide variant.
Coding change: c.1527C>T on transcript NM_178040.4 (MANE Select); coding-DNA position 1527, C replaced by T.
Protein change: p.Ser509=; no amino-acid change (serine 509 retained).
Molecular consequence: synonymous variant. On other transcripts: non-coding transcript variant (2).
Genome position (GRCh38, 1-based): chr12:1,115,991, C>T. VCF-style: chr12-1115991-C-T. GRCh37 (hg19) VCF-style: chr12-1225157-C-T.
Other names: c.1527C>T, p.Ser509= (NM_001301248.1); c.1443C>T, p.Ser481= (NM_015064.2, NM_178037.1, NM_178039.4).
Identifiers: ClinVar variation 3051178 (VCV003051178.2), dbSNP rs138901829, ClinGen allele CA6384489.